The following is an entry in ClinVar:

ClinVar aggregate classification (germline): Uncertain significance (1 of 4 stars; one submission).

Submission:

Labcorp Genetics (formerly Invitae), Labcorp
Classification: Uncertain significance. Last evaluated: 2023-08-04. Review status: criteria provided, single submitter. Criteria: Invitae Variant Classification Sherloc (09022015). Collection method: clinical testing. Allele origin: germline.
Comment: This variant, c.99_116del, results in the deletion of 6 amino acid(s) of the DLX6 protein (p.Gln39_Gln44del), but otherwise preserves the integrity of the reading frame. In summary, the available evidence is currently insufficient to determine the role of this variant in disease. Therefore, it has been classified as a Variant of Uncertain Significance. Experimental studies and prediction algorithms are not available or were not evaluated, and the functional significance of this variant is currently unknown. ClinVar contains an entry for this variant (Variation ID: 1365121). This variant has not been reported in the literature in individuals affected with DLX6-related conditions. The frequency data for this variant in the population databases is considered unreliable, as metrics indicate poor data quality at this position in the gnomAD database.

NM_005222.4(DLX6):c.99_116del (p.Gln39_Gln44del)

Genes: DLX6 (distal-less homeobox 6; plus strand), DLX6-AS1 (DLX6 antisense RNA 1; minus strand). Cytogenetic location: 7q21.3.
Variant type: Deletion.
Coding change: c.99_116del on transcript NM_005222.4 (MANE Select); coding-DNA positions 99 to 116, 18 bases deleted (ACAGCAGCAGCAGCAGCA).
Protein change: p.Gln39_Gln44del.
Molecular consequence: inframe deletion.
Genome position (GRCh38, 1-based): chr7:97,006,076-97,006,093, ACAGCAGCAGCAGCAGCA deleted; deleting any 18 consecutive bases within chr7:97,006,059-97,006,093 gives the same sequence; the c. name uses the placement nearest the transcript's 3' end. VCF-style (leftmost placement, unchanged base first): chr7-97006058-GCAGCAGCAGCAGCAGCAA-G. GRCh37 (hg19) VCF-style: chr7-96635370-GCAGCAGCAGCAGCAGCAA-G.
Identifiers: ClinVar variation 1365121 (VCV001365121.6), dbSNP rs751140494, ClinGen allele CA4353687.